The following is an entry in ClinVar:

NM_000301.5(PLG):c.1334G>T (p.Arg445Met)

Gene: PLG (plasminogen; plus strand). Cytogenetic location: 6q26.
Variant type: single nucleotide variant.
Coding change: c.1334G>T on transcript NM_000301.5 (MANE Select); coding-DNA position 1334, G replaced by T.
Protein change: p.Arg445Met; replaces arginine 445 with methionine.
Molecular consequence: missense variant.
Genome position (GRCh38, 1-based): chr6:160,731,128, G>T. VCF-style: chr6-160731128-G-T. GRCh37 (hg19) VCF-style: chr6-161152160-G-T.
Other names: short protein forms R445M.
Identifiers: ClinVar variation 3593331 (VCV003593331.2).

ClinVar aggregate classification (germline): Uncertain significance. Review status: criteria provided, multiple submitters, no conflicts (2 of 4 stars). 2 submissions from 2 submitters: Uncertain significance (2). Last evaluated 2025-09-23.

Conditions:
Plasminogen deficiency, type I. Also called: Type 1 plasminogen deficiency; Hypoplasminogenemia. Identifiers: Orphanet 722, MedGen C1968804, MONDO:0009009, OMIM 217090.
Angioedema, hereditary, 4. Identifiers: MedGen C5543503, MONDO:0025712, OMIM 619360.

gnomAD v4.1: 18 of 1,614,048 alleles (0.0011%); highest among the groups gnomAD compares: Non-Finnish European, 0.0014%; no homozygotes.

Submissions (2):

Labcorp Genetics (formerly Invitae), Labcorp
Classification: Uncertain significance. Last evaluated: 2025-09-23. Review status: criteria provided, single submitter. Criteria: Invitae Variant Classification Sherloc (09022015). Collection method: clinical testing. Allele origin: germline.
Comment: This sequence change replaces arginine, which is basic and polar, with methionine, which is neutral and non-polar, at codon 445 of the PLG protein (p.Arg445Met). This variant is not present in population databases (gnomAD no frequency). This variant has not been reported in the literature in individuals affected with PLG-related conditions. ClinVar contains an entry for this variant (Variation ID: 3593331). Invitae Evidence Modeling of protein sequence and biophysical properties (such as structural, functional, and spatial information, amino acid conservation, physicochemical variation, residue mobility, and thermodynamic stability) indicates that this missense variant is not expected to disrupt PLG protein function with a negative predictive value of 80%. In summary, the available evidence is currently insufficient to determine the role of this variant in disease. Therefore, it has been classified as a Variant of Uncertain Significance.

Fulgent Genetics
Classification: Uncertain significance for Plasminogen deficiency, type I; Angioedema, hereditary, 4. Last evaluated: 2024-05-14. Review status: criteria provided, single submitter. Criteria: ACMG Guidelines, 2015. Collection method: clinical testing. Allele origin: germline.